The following is an entry in ClinVar:

ClinVar aggregate classification (germline): Uncertain significance (1 of 4 stars; one submission).

Conditions:
Neuropathy, hereditary sensory and autonomic, type 2A (HSAN2A). Also called: WNK1-Related HSAN2 (HSAN2A); MORVAN DISEASE; NEUROPATHY, CONGENITAL SENSORY; NEUROPATHY, HEREDITARY SENSORY RADICULAR, AUTOSOMAL RECESSIVE; NEUROPATHY, HEREDITARY SENSORY, TYPE IIA; NEUROPATHY, PROGRESSIVE SENSORY, OF CHILDREN. Identifiers: Orphanet 970, MedGen C2752089, MONDO:0024309, OMIM 201300.
Generalized epilepsy with febrile seizures plus, type 7 (GEFSP7). Also called: GEFS+, TYPE 7. Identifiers: Orphanet 36387, MedGen C2751778, MONDO:0013470, OMIM 613863.

Submission:

Labcorp Genetics (formerly Invitae), Labcorp
Classification: Uncertain significance for Neuropathy, hereditary sensory and autonomic, type 2A; Generalized epilepsy with febrile seizures plus, type 7. Last evaluated: 2020-03-10. Review status: criteria provided, single submitter. Criteria: Invitae Variant Classification Sherloc (09022015). Collection method: clinical testing. Allele origin: germline.
Comment: This variant has not been reported in the literature in individuals with SCN9A-related conditions. This variant is not present in population databases (ExAC no frequency). This sequence change replaces serine with asparagine at codon 1054 of the SCN9A protein (p.Ser1054Asn). The serine residue is moderately conserved and there is a small physicochemical difference between serine and asparagine. Algorithms developed to predict the effect of missense changes on protein structure and function output the following: SIFT: "Tolerated"; PolyPhen-2: "Benign"; Align-GVGD: "Class C0". The asparagine amino acid residue is found in multiple mammalian species, suggesting that this missense change does not adversely affect protein function. These predictions have not been confirmed by published functional studies and their clinical significance is uncertain. In summary, the available evidence is currently insufficient to determine the role of this variant in disease. Therefore, it has been classified as a Variant of Uncertain Significance.

NM_001365536.1(SCN9A):c.3194G>A (p.Ser1065Asn)

Genes: SCN1A-AS1 (SCN1A and SCN9A antisense RNA 1; plus strand), SCN9A (sodium voltage-gated channel alpha subunit 9; minus strand). Cytogenetic location: 2q24.3.
Variant type: single nucleotide variant.
Coding change: c.3194G>A on transcript NM_001365536.1 (MANE Select); coding-DNA position 3194, G replaced by A.
Protein change: p.Ser1065Asn; replaces serine 1065 with asparagine.
Molecular consequence: missense variant.
Genome position (GRCh38, 1-based): chr2:166,272,556, C>T on the plus strand (G>A on the coding strand, the complement: SCN9A is on the minus strand). VCF-style: chr2-166272556-C-T. GRCh37 (hg19) VCF-style: chr2-167129066-C-T.
Other names: c.3161G>A, p.Ser1054Asn (NM_002977.4); short protein forms S1054N, S1065N.
Identifiers: ClinVar variation 1041154 (VCV001041154.9), dbSNP rs1697044092, ClinGen allele CA349073262.